The following is an entry in ClinVar:

ClinVar aggregate classification (germline): Uncertain significance (1 of 4 stars; one submission).

Submission:

Labcorp Genetics (formerly Invitae), Labcorp
Classification: Uncertain significance. Last evaluated: 2025-01-27. Review status: criteria provided, single submitter. Criteria: Invitae Variant Classification Sherloc (09022015). Collection method: clinical testing. Allele origin: germline.
Comment: This sequence change replaces tryptophan, which is neutral and slightly polar, with cysteine, which is neutral and slightly polar, at codon 555 of the SLC34A3 protein (p.Trp555Cys). This variant is not present in population databases (gnomAD no frequency). This variant has not been reported in the literature in individuals affected with SLC34A3-related conditions. Invitae Evidence Modeling of protein sequence and biophysical properties (such as structural, functional, and spatial information, amino acid conservation, physicochemical variation, residue mobility, and thermodynamic stability) indicates that this missense variant is not expected to disrupt SLC34A3 protein function with a negative predictive value of 80%. In summary, the available evidence is currently insufficient to determine the role of this variant in disease. Therefore, it has been classified as a Variant of Uncertain Significance.

NM_001177316.2(SLC34A3):c.1665G>C (p.Trp555Cys)

Gene: SLC34A3 (solute carrier family 34 member 3; plus strand). Cytogenetic location: 9q34.3.
Variant type: single nucleotide variant.
Coding change: c.1665G>C on transcript NM_001177316.2 (MANE Select); coding-DNA position 1665, G replaced by C.
Protein change: p.Trp555Cys; replaces tryptophan 555 with cysteine.
Molecular consequence: missense variant.
Genome position (GRCh38, 1-based): chr9:137,236,281, G>C. VCF-style: chr9-137236281-G-C. GRCh37 (hg19) VCF-style: chr9-140130733-G-C.
Other names: c.1665G>C, p.Trp555Cys (NM_001177317.2, NM_080877.3); short protein forms W555C.
Identifiers: ClinVar variation 3648138 (VCV003648138.2).